The following is an entry in ClinVar:

NM_003922.4(HERC1):c.4081C>G (p.Arg1361Gly)

Gene: HERC1 (HECT and RLD domain containing E3 ubiquitin protein ligase family member 1; minus strand). Cytogenetic location: 15q22.31.
Variant type: single nucleotide variant.
Coding change: c.4081C>G on transcript NM_003922.4 (MANE Select); coding-DNA position 4081, C replaced by G.
Protein change: p.Arg1361Gly; replaces arginine 1361 with glycine.
Molecular consequence: missense variant.
Genome position (GRCh38, 1-based): chr15:63,716,371, G>C on the plus strand (C>G on the coding strand, the complement: HERC1 is on the minus strand). VCF-style: chr15-63716371-G-C. GRCh37 (hg19) VCF-style: chr15-64008570-G-C.
Other names: short protein forms R1361G.
Identifiers: ClinVar variation 2578205 (VCV002578205.1), dbSNP rs758755867, ClinGen allele CA7605886.

ClinVar aggregate classification (germline): Uncertain significance (1 of 4 stars; one submission).

Allele frequency attached by ClinVar (database versions not stated): gnomAD 0.00001; TOPMed 0.00003.
gnomAD v4.1: 43 of 1,613,382 alleles (0.0027%); highest among the groups gnomAD compares: Non-Finnish European, 0.0036%; no homozygotes.

Submission:

GeneDx
Classification: Uncertain significance. Last evaluated: 2023-08-30. Review status: criteria provided, single submitter. Criteria: GeneDx Variant Classification Process June 2021. Collection method: clinical testing. Allele origin: germline. Affected: yes.
Comment: Not observed at significant frequency in large population cohorts (gnomAD); In silico analysis supports that this missense variant does not alter protein structure/function; Has not been previously published as pathogenic or benign to our knowledge